The following is an entry in ClinVar:

NM_003701.4(TNFSF11):c.-141C>T

Genes: TNFSF11 (TNF superfamily member 11; plus strand), LOC130009662 (ATAC-STARR-seq lymphoblastoid silent region 5301; plus strand). Cytogenetic location: 13q14.11.
Variant type: single nucleotide variant.
Coding change: c.-141C>T on transcript NM_003701.4 (MANE Select); 141 bases upstream of the start codon, C replaced by T.
Molecular consequence: 5 prime UTR variant. On other transcripts: intron variant (1).
Genome position (GRCh38, 1-based): chr13:42,574,163, C>T. VCF-style: chr13-42574163-C-T. GRCh37 (hg19) VCF-style: chr13-43148299-C-T.
Other names: c.-1+2425C>T (NM_033012.4).
Identifiers: ClinVar variation 312221 (VCV000312221.5), dbSNP rs45468495, ClinGen allele CA10644591.

ClinVar aggregate classification (germline): Likely benign (1 of 4 stars; one submission).

Conditions:
Autosomal recessive osteopetrosis 2. Also called: OSTEOPETROSIS, MILD AUTOSOMAL RECESSIVE FORM. Identifiers: Orphanet 667, MedGen C1850126, MONDO:0009816, OMIM 259710.

Allele frequency attached by ClinVar (database versions not stated): gnomAD 0.00046 and 0.00067; gnomAD exomes 0.00051; TOPMed 0.00072; 1000 Genomes Project 0.00240; 1000 Genomes Project 30x 0.00453.
gnomAD v4.1: 632 of 1,185,326 alleles (0.053%); highest among the groups gnomAD compares: East Asian, 1.6%; 7 homozygotes.

Submission:

Illumina Laboratory Services, Illumina
Classification: Likely benign for Autosomal recessive osteopetrosis 2. Last evaluated: 2018-01-12. Review status: criteria provided, single submitter. Criteria: ICSL Variant Classification Criteria 13 December 2019. Collection method: clinical testing. Allele origin: germline.
Comment: This variant was observed in the ICSL laboratory as part of a predisposition screen in an ostensibly healthy population. It had not been previously curated by ICSL or reported in the Human Gene Mutation Database (HGMD: prior to June 1st, 2018), and was therefore a candidate for classification through an automated scoring system. Utilizing variant allele frequency, disease prevalence and penetrance estimates, and inheritance mode, an automated score was calculated to assess if this variant is too frequent to cause the disease. Based on the score and internal cut-off values, a variant classified as likely benign is not then subjected to further curation. The score for this variant resulted in a classification of likely benign for this disease.